The following is an entry in ClinVar:

NM_006231.4(POLE):c.5376C>T (p.Phe1792=)

Gene: POLE (DNA polymerase epsilon, catalytic subunit; minus strand). Cytogenetic location: 12q24.33.
Variant type: single nucleotide variant.
Coding change: c.5376C>T on transcript NM_006231.4 (MANE Select); coding-DNA position 5376, C replaced by T.
Protein change: p.Phe1792=; no amino-acid change (phenylalanine 1792 retained).
Molecular consequence: synonymous variant.
Genome position (GRCh38, 1-based): chr12:132,641,649, G>A on the plus strand (C>T on the coding strand, the complement: POLE is on the minus strand). VCF-style: chr12-132641649-G-A. GRCh37 (hg19) VCF-style: chr12-133218235-G-A.
Identifiers: ClinVar variation 473728 (VCV000473728.12), dbSNP rs1555222243, ClinGen allele CA482726767.

ClinVar aggregate classification (germline): Conflicting classifications of pathogenicity. Review status: criteria provided, conflicting classifications (1 of 4 stars). 2 submissions from 2 submitters: Uncertain significance (1); Likely benign (1). Last evaluated 2025-10-07.

Conditions:
Hereditary cancer-predisposing syndrome. Also called: Neoplastic Syndromes, Hereditary; Tumor predisposition; Hereditary Cancer Syndrome; Hereditary neoplastic syndrome. Identifiers: Orphanet 140162, MedGen C0027672, MeSH D009386, MONDO:0015356.

Submissions (2):

Labcorp Genetics (formerly Invitae), Labcorp
Classification: Likely benign. Last evaluated: 2025-10-07. Review status: criteria provided, single submitter. Criteria: Invitae Variant Classification Sherloc (09022015). Collection method: clinical testing. Allele origin: germline.

Ambry Genetics
Classification: Uncertain significance for Hereditary cancer-predisposing syndrome. Last evaluated: 2025-08-21. Review status: criteria provided, single submitter. Criteria: Ambry Variant Classification Scheme 2023. Collection method: clinical testing. Allele origin: germline.
Comment: The c.5376C>T variant (also known as p.F1792F), located in coding exon 39 of the POLE gene, results from a C to T substitution at nucleotide position 5376. This nucleotide substitution does not change the at codon 1792. However, this change occurs in the base pair of coding exon 39, which makes it likely to have some effect on normal mRNA splicing. This nucleotide position is highly conserved in available vertebrate species. In silico splice site analysis predicts that this alteration may weaken the native splice donor site. Based on the available evidence, the clinical significance of this variant remains unclear.